The following is an entry in ClinVar:

ClinVar aggregate classification (germline): Uncertain significance (1 of 4 stars; one submission).

Conditions:
Pityriasis rubra pilaris (PRP). Also called: Pityriasis rubra pilaris--familial type. Identifiers: Orphanet 2897, MedGen C0032027, MONDO:0100017, OMIM 173200, MONDO:0008251.
Psoriasis 2. Identifiers: MedGen C1864497, MONDO:0011269, OMIM 602723.

Allele frequency attached by ClinVar (database versions not stated): gnomAD exomes below 0.00001; TOPMed below 0.00001; ExAC 0.00001; gnomAD 0.00002 and 0.00003.
gnomAD v4.1: 5 of 1,586,444 alleles (0.00032%); highest among the groups gnomAD compares: East Asian, 0.0023%; no homozygotes.

Submission:

Labcorp Genetics (formerly Invitae), Labcorp
Classification: Uncertain significance for Pityriasis rubra pilaris; Psoriasis 2. Last evaluated: 2025-05-22. Review status: criteria provided, single submitter. Criteria: Invitae Variant Classification Sherloc (09022015). Collection method: clinical testing. Allele origin: germline.
Comment: This sequence change replaces serine, which is neutral and polar, with leucine, which is neutral and non-polar, at codon 307 of the CARD14 protein (p.Ser307Leu). This variant is present in population databases (rs764211577, gnomAD 0.005%). This variant has not been reported in the literature in individuals affected with CARD14-related conditions. ClinVar contains an entry for this variant (Variation ID: 1488600). Invitae Evidence Modeling of protein sequence and biophysical properties (such as structural, functional, and spatial information, amino acid conservation, physicochemical variation, residue mobility, and thermodynamic stability) has been performed for this missense variant. However, the output from this modeling did not meet the statistical confidence thresholds required to predict the impact of this variant on CARD14 protein function. In summary, the available evidence is currently insufficient to determine the role of this variant in disease. Therefore, it has been classified as a Variant of Uncertain Significance.

NM_001366385.1(CARD14):c.920C>T (p.Ser307Leu)

Gene: CARD14 (caspase recruitment domain family member 14; plus strand). Cytogenetic location: 17q25.3.
Variant type: single nucleotide variant.
Coding change: c.920C>T on transcript NM_001366385.1 (MANE Select); coding-DNA position 920, C replaced by T.
Protein change: p.Ser307Leu; replaces serine 307 with leucine.
Molecular consequence: missense variant. On other transcripts: non-coding transcript variant (1).
Genome position (GRCh38, 1-based): chr17:80,189,829, C>T. VCF-style: chr17-80189829-C-T. GRCh37 (hg19) VCF-style: chr17-78163628-C-T.
Other names: c.920C>T, p.Ser307Leu (NM_001257970.1, NM_024110.4); c.209C>T, p.Ser70Leu (NM_052819.3); short protein forms S70L, S307L.
Identifiers: ClinVar variation 1488600 (VCV001488600.8), dbSNP rs764211577, ClinGen allele CA8816571.
Genomic context (GRCh38, chr17:80,189,829, plus strand): 5'-TGGAGCAGAGCCTGGACGAGGCGCGGGGGAGCCGACAGGAGCTGGTGGAGCGCATCCACT[C>T]GCTGCGGGAGCGGGCCGTGGCTGCCGAGAGGCAGCGAGAGCAGGTGCCGTGTGAGCCCTT-3'
Protein context (NP_001353314.1, residues 297-317): SRQELVERIH[Ser307Leu]LRERAVAAER